The following is an entry in ClinVar:

NM_182961.4(SYNE1):c.17628_17643del (p.Pro5877fs)

Gene: SYNE1 (spectrin repeat containing nuclear envelope protein 1; minus strand). Cytogenetic location: 6q25.2.
Variant type: Deletion.
Coding change: c.17628_17643del on transcript NM_182961.4 (MANE Select); coding-DNA positions 17628 to 17643, 16 bases deleted (ACCTGCCTGTCGCTCC).
Protein change: p.Pro5877fs; shifts the reading frame from proline 5877.
Molecular consequence: frameshift variant.
Genome position (GRCh38, 1-based): chr6:152,300,680-152,300,695, GGAGCGACAGGCAGGT deleted on the plus strand (ACCTGCCTGTCGCTCC on the coding strand, the reverse complement: SYNE1 is on the minus strand); deleting any 16 consecutive bases within chr6:152,300,680-152,300,699 gives the same sequence; the c. name uses the placement nearest the transcript's 3' end. VCF-style (leftmost placement, unchanged base first): chr6-152300679-GGGAGCGACAGGCAGGT-G. GRCh37 (hg19) VCF-style: chr6-152621814-GGGAGCGACAGGCAGGT-G.
Other names: c.17415_17430del, p.Pro5806fs (NM_033071.5); short protein forms P5877fs, P5806fs.
Identifiers: ClinVar variation 1399404 (VCV001399404.6), dbSNP rs2153809530, ClinGen allele CA2573140638.

ClinVar aggregate classification (germline): Pathogenic (1 of 4 stars; one submission).

Conditions:
Emery-Dreifuss muscular dystrophy 4, autosomal dominant (EDMD4). Also called: EMERY-DREIFUSS MUSCULAR DYSTROPHY 4 WITH VARIABLE FEATURES. Identifiers: Orphanet 261, MedGen C2751807, MONDO:0013071, OMIM 612998.
Autosomal recessive ataxia, Beauce type. Also called: SYNE1-Related Autosomal Recessive Cerebellar Ataxia; Spinocerebellar ataxia, autosomal recessive 8; ATAXIA, RECESSIVE, OF BEAUCE; SYNE1 Deficiency. Identifiers: Orphanet 88644, MedGen C1853116, MONDO:0012549, OMIM 610743.

Submission:

Labcorp Genetics (formerly Invitae), Labcorp
Classification: Pathogenic for Emery-Dreifuss muscular dystrophy 4, autosomal dominant; Autosomal recessive ataxia, Beauce type. Last evaluated: 2025-11-30. Review status: criteria provided, single submitter. Criteria: Invitae Variant Classification Sherloc (09022015). Collection method: clinical testing. Allele origin: germline.
Comment: This sequence change creates a premature translational stop signal (p.Pro5806Leufs*66) in the SYNE1 gene. It is expected to result in an absent or disrupted protein product. Loss-of-function variants in SYNE1 are known to be pathogenic (PMID: 19542096, 24319099, 27086870). This variant is not present in population databases (gnomAD no frequency). This variant has not been reported in the literature in individuals affected with SYNE1-related conditions. ClinVar contains an entry for this variant (Variation ID: 1399404). For these reasons, this variant has been classified as Pathogenic.

Literature cited by the submitters: PubMed 19542096; PubMed 24319099; PubMed 27086870.